The following is an entry in ClinVar:

ClinVar aggregate classification (germline): Pathogenic (1 of 4 stars; one submission).

Conditions:
DICER1-related tumor predisposition. Also called: DICER1-related pleuropulmonary blastoma cancer predisposition syndrome; DICER1 syndrome. Identifiers: Orphanet 284343, MedGen C3839822, MONDO:0100216.

Submission:

Labcorp Genetics (formerly Invitae), Labcorp
Classification: Pathogenic for DICER1-related tumor predisposition. Last evaluated: 2021-04-09. Review status: criteria provided, single submitter. Criteria: Invitae Variant Classification Sherloc (09022015). Collection method: clinical testing. Allele origin: germline.
Comment: For these reasons, this variant has been classified as Pathogenic. This variant has not been reported in the literature in individuals with DICER1-related conditions. This variant is not present in population databases (ExAC no frequency). This sequence change creates a premature translational stop signal (p.Glu338Glyfs*15) in the DICER1 gene. It is expected to result in an absent or disrupted protein product. Loss-of-function variants in DICER1 are known to be pathogenic (PMID: 19556464, 21266384).

Literature cited by the submitters: PubMed 19556464; PubMed 21266384.

NM_177438.3(DICER1):c.1013del (p.Glu338fs)

Gene: DICER1 (dicer 1, ribonuclease III; minus strand). Cytogenetic location: 14q32.13.
Variant type: Deletion.
Coding change: c.1013del on transcript NM_177438.3 (MANE Select); coding-DNA position 1013, one base deleted (A; older notation c.1013delA).
Protein change: p.Glu338fs; shifts the reading frame from glutamic acid 338.
Molecular consequence: frameshift variant.
Genome position (GRCh38, 1-based): chr14:95,124,559, T deleted on the plus strand (A on the coding strand, the reverse complement: DICER1 is on the minus strand). VCF-style (leftmost placement, unchanged base first): chr14-95124558-CT-C. GRCh37 (hg19) VCF-style: chr14-95590895-CT-C.
Other names: c.1013del, p.Glu338fs (NM_001195573.1, NM_001271282.3, NM_001291628.2 and 1 more transcripts); short protein forms E338fs.
Identifiers: ClinVar variation 1427489 (VCV001427489.7), dbSNP rs2140206874, ClinGen allele CA2573150344.